The following is an entry in ClinVar:

NM_003079.5(SMARCE1):c.369+6G>A

Gene: SMARCE1 (SWI/SNF related BAF chromatin remodeling complex subunit E1; minus strand). Cytogenetic location: 17q21.2.
Variant type: single nucleotide variant.
Coding change: c.369+6G>A on transcript NM_003079.5 (MANE Select); 6 bases into the intron after coding-DNA position 369, G replaced by A.
Molecular consequence: intron variant.
Genome position (GRCh38, 1-based): chr17:40,636,389, C>T on the plus strand (G>A on the coding strand, the complement: SMARCE1 is on the minus strand). VCF-style: chr17-40636389-C-T. GRCh37 (hg19) VCF-style: chr17-38792641-C-T.
Identifiers: ClinVar variation 1410619 (VCV001410619.6), dbSNP rs200391280, ClinGen allele CA290553525.

ClinVar aggregate classification (germline): Uncertain significance (1 of 4 stars; one submission).

Conditions:
Familial meningioma. Also called: Meningioma, familial, susceptibility to. Identifiers: Orphanet 263662, MedGen C3551915, MONDO:0011789, OMIM 607174.

Allele frequency attached by ClinVar (database versions not stated): gnomAD exomes below 0.00001 and 0.00001.
gnomAD v4.1: 8 of 1,610,648 alleles (0.0005%); highest among the groups gnomAD compares: African/African-American, 0.0013%; no homozygotes.

Submission:

Labcorp Genetics (formerly Invitae), Labcorp
Classification: Uncertain significance for Familial meningioma. Last evaluated: 2024-02-02. Review status: criteria provided, single submitter. Criteria: Invitae Variant Classification Sherloc (09022015). Collection method: clinical testing. Allele origin: germline.
Comment: This sequence change falls in intron 6 of the SMARCE1 gene. It does not directly change the encoded amino acid sequence of the SMARCE1 protein. It affects a nucleotide within the consensus splice site. This variant is present in population databases (rs200391280, gnomAD 0.0009%). This variant has not been reported in the literature in individuals affected with SMARCE1-related conditions. ClinVar contains an entry for this variant (Variation ID: 1410619). Variants that disrupt the consensus splice site are a relatively common cause of aberrant splicing (PMID: 17576681, 9536098). Algorithms developed to predict the effect of sequence changes on RNA splicing suggest that this variant is not likely to affect RNA splicing. In summary, the available evidence is currently insufficient to determine the role of this variant in disease. Therefore, it has been classified as a Variant of Uncertain Significance.

Literature cited by the submitters: PubMed 17576681; PubMed 9536098.